The following is an entry in ClinVar:

NM_006486.3(FBLN1):c.1734C>G (p.Ile578Met)

Gene: FBLN1 (fibulin 1; plus strand). Cytogenetic location: 22q13.31.
Variant type: single nucleotide variant.
Coding change: c.1734C>G on transcript NM_006486.3 (MANE Select); coding-DNA position 1734, C replaced by G.
Protein change: p.Ile578Met; replaces isoleucine 578 with methionine.
Molecular consequence: missense variant.
Genome position (GRCh38, 1-based): chr22:45,574,547, C>G. VCF-style: chr22-45574547-C-G. GRCh37 (hg19) VCF-style: chr22-45970427-C-G.
Other names: short protein forms I578M.
Identifiers: ClinVar variation 4991624 (VCV004991624.1).

ClinVar aggregate classification (germline): Uncertain significance (1 of 4 stars; one submission).

Conditions:
FBLN1-related disorder. Also called: FBLN1-related condition.

gnomAD v4.1: 1 of 1,614,050 alleles (0.000062%); highest among the groups gnomAD compares: Non-Finnish European, 0.000085%; no homozygotes.

Submission:

PreventionGenetics, part of Exact Sciences
Classification: Uncertain significance for FBLN1-related condition. Last evaluated: 2026-01-30. Review status: criteria provided, single submitter. Criteria: ACMG Guidelines, 2015. Collection method: clinical testing. Allele origin: germline.
Comment: The FBLN1 c.1734C>G variant is predicted to result in the amino acid substitution p.Ile578Met. To our knowledge, this variant has not been reported in the literature. This variant is reported in 0.0065% of alleles in individuals of European (Non-Finnish) descent in gnomAD. At this time, the clinical significance of this variant is uncertain due to the absence of conclusive functional and genetic evidence.